The following is an entry in ClinVar:

NM_032444.4(SLX4):c.1421A>G (p.Gln474Arg)

Gene: SLX4 (SLX4 structure-specific endonuclease subunit; minus strand). Cytogenetic location: 16p13.3.
Variant type: single nucleotide variant.
Coding change: c.1421A>G on transcript NM_032444.4 (MANE Select); coding-DNA position 1421, A replaced by G.
Protein change: p.Gln474Arg; replaces glutamine 474 with arginine.
Molecular consequence: missense variant.
Genome position (GRCh38, 1-based): chr16:3,597,641, T>C on the plus strand (A>G on the coding strand, the complement: SLX4 is on the minus strand). VCF-style: chr16-3597641-T-C. GRCh37 (hg19) VCF-style: chr16-3647642-T-C.
Other names: short protein forms Q474R.
Identifiers: ClinVar variation 2883932 (VCV002883932.3), dbSNP rs2040678216, ClinGen allele CA394529106.

ClinVar aggregate classification (germline): Uncertain significance (1 of 4 stars; one submission).

Conditions:
Fanconi anemia (FA). Also called: Fanconi's anemia. Identifiers: Orphanet 84, MedGen C0015625, MeSH D005199, MONDO:0019391.

Submission:

Labcorp Genetics (formerly Invitae), Labcorp
Classification: Uncertain significance for Fanconi anemia. Last evaluated: 2023-03-07. Review status: criteria provided, single submitter. Criteria: Invitae Variant Classification Sherloc (09022015). Collection method: clinical testing. Allele origin: germline.
Comment: In summary, the available evidence is currently insufficient to determine the role of this variant in disease. Therefore, it has been classified as a Variant of Uncertain Significance. An algorithm developed to predict the effect of missense changes on protein structure and function (PolyPhen-2) suggests that this variant is likely to be disruptive. This variant has not been reported in the literature in individuals affected with SLX4-related conditions. This variant is not present in population databases (gnomAD no frequency). This sequence change replaces glutamine, which is neutral and polar, with arginine, which is basic and polar, at codon 474 of the SLX4 protein (p.Gln474Arg).